The following is an entry in ClinVar:

NM_017802.4(DNAAF5):c.517T>C (p.Cys173Arg)

Genes: PRKAR1B (protein kinase cAMP-dependent type I regulatory subunit beta; minus strand), DNAAF5 (dynein axonemal assembly factor 5; plus strand), LOC129997731 (ATAC-STARR-seq lymphoblastoid silent region 17817; plus strand). Cytogenetic location: 7p22.3.
Variant type: single nucleotide variant.
Coding change: c.517T>C on transcript NM_017802.4 (MANE Select); coding-DNA position 517, T replaced by C.
Protein change: p.Cys173Arg; replaces cysteine 173 with arginine.
Molecular consequence: missense variant. On other transcripts: non-coding transcript variant (1), 5 prime UTR variant (1), intron variant (2).
Genome position (GRCh38, 1-based): chr7:727,237, T>C. VCF-style: chr7-727237-T-C. GRCh37 (hg19) VCF-style: chr7-766874-T-C.
Other names: c.-50A>G (NM_001164760.2); c.-23+418A>G (NM_001164759.1); c.-23+353A>G (NM_001164758.2); short protein forms C173R.
Identifiers: ClinVar variation 1475639 (VCV001475639.5), dbSNP rs902736696, ClinGen allele CA152333473.

ClinVar aggregate classification (germline): Uncertain significance (1 of 4 stars; one submission).

Conditions:
Primary ciliary dyskinesia. Also called: Ciliary dyskinesia. Identifiers: Orphanet 244, MedGen C0008780, MONDO:0016575, HP:0012265.

Allele frequency attached by ClinVar (database versions not stated): gnomAD exomes below 0.00001; gnomAD 0.00001; TOPMed 0.00002.
gnomAD v4.1: 3 of 1,358,488 alleles (0.00022%); highest among the groups gnomAD compares: Admixed American, 0.01%; no homozygotes.

Submission:

Labcorp Genetics (formerly Invitae), Labcorp
Classification: Uncertain significance for Primary ciliary dyskinesia. Last evaluated: 2025-03-03. Review status: criteria provided, single submitter. Criteria: Invitae Variant Classification Sherloc (09022015). Collection method: clinical testing. Allele origin: germline.
Comment: This sequence change replaces cysteine, which is neutral and slightly polar, with arginine, which is basic and polar, at codon 173 of the DNAAF5 protein (p.Cys173Arg). This variant is not present in population databases (gnomAD no frequency). This variant has not been reported in the literature in individuals affected with DNAAF5-related conditions. ClinVar contains an entry for this variant (Variation ID: 1475639). Invitae Evidence Modeling of protein sequence and biophysical properties (such as structural, functional, and spatial information, amino acid conservation, physicochemical variation, residue mobility, and thermodynamic stability) indicates that this missense variant is not expected to disrupt DNAAF5 protein function with a negative predictive value of 80%. In summary, the available evidence is currently insufficient to determine the role of this variant in disease. Therefore, it has been classified as a Variant of Uncertain Significance.